The following is an entry in ClinVar:

NM_001851.6(COL9A1):c.1481C>T (p.Pro494Leu)

Gene: COL9A1 (collagen type IX alpha 1 chain; minus strand). Cytogenetic location: 6q13.
Variant type: single nucleotide variant.
Coding change: c.1481C>T on transcript NM_001851.6 (MANE Select); coding-DNA position 1481, C replaced by T.
Protein change: p.Pro494Leu; replaces proline 494 with leucine.
Molecular consequence: missense variant. On other transcripts: non-coding transcript variant (1).
Genome position (GRCh38, 1-based): chr6:70,256,790, G>A on the plus strand (C>T on the coding strand, the complement: COL9A1 is on the minus strand). VCF-style: chr6-70256790-G-A. GRCh37 (hg19) VCF-style: chr6-70966493-G-A.
Other names: c.752C>T, p.Pro251Leu (NM_001377289.1, NM_001377290.1, NM_078485.4); short protein forms P494L, P251L.
Identifiers: ClinVar variation 1350531 (VCV001350531.6), dbSNP rs769158574, ClinGen allele CA3882182.

ClinVar aggregate classification (germline): Uncertain significance. Review status: criteria provided, multiple submitters, no conflicts (2 of 4 stars). 2 submissions from 2 submitters: Uncertain significance (2). Last evaluated 2022-07-29.

Allele frequency attached by ClinVar (database versions not stated): gnomAD exomes below 0.00001; ExAC 0.00001; gnomAD 0.00001; TOPMed 0.00002.
gnomAD v4.1: 4 of 1,612,890 alleles (0.00025%); highest among the groups gnomAD compares: African/African-American, 0.0054%; no homozygotes.

Submissions (2):

Blueprint Genetics
Classification: Uncertain significance. Last evaluated: 2022-07-29. Review status: criteria provided, single submitter. Criteria: ACMG Guidelines, 2015. Collection method: clinical testing. Allele origin: germline.

Labcorp Genetics (formerly Invitae), Labcorp
Classification: Uncertain significance. Last evaluated: 2022-02-02. Review status: criteria provided, single submitter. Criteria: Invitae Variant Classification Sherloc (09022015). Collection method: clinical testing. Allele origin: germline.
Comment: This sequence change replaces proline, which is neutral and non-polar, with leucine, which is neutral and non-polar, at codon 494 of the COL9A1 protein (p.Pro494Leu). This variant is present in population databases (rs769158574, gnomAD 0.007%). This variant has not been reported in the literature in individuals affected with COL9A1-related conditions. Advanced modeling of protein sequence and biophysical properties (such as structural, functional, and spatial information, amino acid conservation, physicochemical variation, residue mobility, and thermodynamic stability) performed at Invitae indicates that this missense variant is not expected to disrupt COL9A1 protein function. In summary, the available evidence is currently insufficient to determine the role of this variant in disease. Therefore, it has been classified as a Variant of Uncertain Significance.